The following is an entry in ClinVar:

ClinVar aggregate classification (germline): Pathogenic/Likely pathogenic. Review status: criteria provided, multiple submitters, no conflicts (2 of 4 stars). 4 submissions from 4 submitters: Pathogenic (2); Likely pathogenic (1). 1 of the submissions does not count toward it. Last evaluated 2024-10-04.

Conditions:
Tuberous sclerosis 2 (TSC2). Identifiers: Orphanet 805, MedGen C1860707, MONDO:0013199, OMIM 613254.
Tuberous sclerosis syndrome (TSC). Also called: Tuberous Sclerosis Complex; Tuberous sclerosis. Identifiers: Orphanet 805, MedGen C0041341, MONDO:0001734.
Lymphangiomyomatosis (LAM). Also called: Lymphangioleiomyomatosis; Lymphangioleiomyomatosis, somatic. Identifiers: Orphanet 538, MedGen C0751674, MONDO:0011705, OMIM 606690.

Submissions (4):

Dubai Health Genomic Medicine Center, Dubai Health
Classification: Pathogenic for Lymphangioleiomyomatosis. Last evaluated: 2024-10-04. Review status: criteria provided, single submitter. Criteria: ACMG Guidelines, 2015. Collection method: research. Allele origin: germline. Affected: yes.
Comment: PVS1,PS4,PM2

GeneDx
Classification: Pathogenic. Last evaluated: 2024-01-05. Review status: criteria provided, single submitter. Criteria: GeneDx Variant Classification Process June 2021. Collection method: clinical testing. Allele origin: germline. Affected: yes.
Comment: Canonical splice site variant predicted to result in a null allele in a gene for which loss-of-function is a known mechanism of disease; Not observed at significant frequency in large population cohorts (gnomAD); Has not been previously published as pathogenic or benign to our knowledge

Labcorp Genetics (formerly Invitae), Labcorp
Classification: Likely pathogenic for Tuberous sclerosis 2. Last evaluated: 2021-03-24. Review status: criteria provided, single submitter. Criteria: Invitae Variant Classification Sherloc (09022015). Collection method: clinical testing. Allele origin: germline.
Comment: In summary, the currently available evidence indicates that the variant is pathogenic, but additional data are needed to prove that conclusively. Therefore, this variant has been classified as Likely Pathogenic. Disruption of this splice site has been observed in individual(s) with tuberous sclerosis (PMID: 16981987). ClinVar contains an entry for this variant (Variation ID: 64895). This variant is not present in population databases (ExAC no frequency). This sequence change affects an acceptor splice site in intron 17 of the TSC2 gene. It is expected to disrupt RNA splicing. Variants that disrupt the donor or acceptor splice site typically lead to a loss of protein function (PMID: 16199547), and loss-of-function variants in TSC2 are known to be pathogenic (PMID: 10205261, 17304050).

Tuberous sclerosis database (TSC2)
No classification provided. Condition: TSC. Review status: no classification provided. Criteria: Tuberous Sclerosis Database Assertion Criteria 2015. Collection method: curation. Allele origin: germline. Affected: yes. Not counted in ClinVar's aggregate classification.

Literature cited by the submitters: PubMed 16981987 (cited by Labcorp Genetics (formerly Invitae), Labcorp); PubMed 16199547 (cited by Labcorp Genetics (formerly Invitae), Labcorp); PubMed 10205261 (cited by Labcorp Genetics (formerly Invitae), Labcorp); PubMed 17304050 (cited by Labcorp Genetics (formerly Invitae), Labcorp).

NM_000548.5(TSC2):c.1840-2A>G

Gene: TSC2 (TSC complex subunit 2; plus strand). Cytogenetic location: 16p13.3.
Variant type: single nucleotide variant.
Coding change: c.1840-2A>G on transcript NM_000548.5 (MANE Select); the canonical splice acceptor site of the intron before coding-DNA position 1840, A replaced by G.
Molecular consequence: splice acceptor variant.
Genome position (GRCh38, 1-based): chr16:2,071,508, A>G. VCF-style: chr16-2071508-A-G. GRCh37 (hg19) VCF-style: chr16-2121509-A-G.
Other names: c.496-2A>G (NM_001406693.1, NM_001406689.1, NM_001406690.1 and 6 more transcripts); c.1930-2A>G (NM_001406667.1, NM_001406668.1); c.1240-2A>G (NM_001406680.1, NM_001406683.1, NM_001406687.1 and 6 more transcripts); c.238-2A>G (NM_001406698.1); c.1840-2A>G (NM_001114382.3, NM_001406663.1, NM_001406664.1 and 6 more transcripts); c.1828-2A>G (NM_001406671.1, NM_001406673.1); c.1378-2A>G (NM_001406681.1); c.1729-2A>G (NM_001406670.1, NM_001318827.2, NM_001406678.1); and 3 more.
Identifiers: ClinVar variation 64895 (VCV000064895.12), dbSNP rs45517205, ClinGen allele CA015992.
Genomic context (GRCh38, chr16:2,071,508, plus strand): 5'-ACGCCGCCTGTCCTGGGCCTGCACGAGCTTGGCTCTGGCTTTCACCATCCTCTTCCTGAC[A>G]GGCCTTTGACTTCCTGTTGCTGCTGCGGGCCGACTCACTGCACCGCCTGGGCCTGCCCAA-3'